The following is an entry in ClinVar:

NM_000059.4(BRCA2):c.7924T>C (p.Phe2642Leu)

Gene: BRCA2 (BRCA2 DNA repair associated; plus strand). Cytogenetic location: 13q13.1.
Variant type: single nucleotide variant.
Coding change: c.7924T>C on transcript NM_000059.4 (MANE Select); coding-DNA position 7924, T replaced by C.
Protein change: p.Phe2642Leu; replaces phenylalanine 2642 with leucine.
Molecular consequence: missense variant.
Genome position (GRCh38, 1-based): chr13:32,362,641, T>C. VCF-style: chr13-32362641-T-C. GRCh37 (hg19) VCF-style: chr13-32936778-T-C.
Other names: short protein forms F2642L.
Identifiers: ClinVar variation 491338 (VCV000491338.14), dbSNP rs1555286856, ClinGen allele CA387747194.
Genomic context (GRCh38, chr13:32,362,641, plus strand): 5'-AATCACTATAGATGGATCATATGGAAACTGGCAGCTATGGAATGTGCCTTTCCTAAGGAA[T>C]TTGCTAATAGATGCCTAAGCCCAGAAAGGGTGCTTCTTCAACTAAAATACAGGCAAGTTT-3'
Protein context (NP_000050.3, residues 2632-2652): AAMECAFPKE[Phe2642Leu]ANRCLSPERV

ClinVar aggregate classification (germline): Conflicting classifications of pathogenicity. Review status: criteria provided, conflicting classifications (1 of 4 stars). 3 submissions from 3 submitters: Uncertain significance (2); Likely benign (1). Last evaluated 2025-07-31.

Conditions:
Hereditary breast ovarian cancer syndrome. Also called: Hereditary breast and/or ovarian cancer syndrome; BRCA1- and BRCA2-Associated Hereditary Breast and Ovarian Cancer; Breast and ovarian cancer; Hereditary breast and ovarian cancer; Hereditary breast and ovarian cancer syndrome; Hereditary breast and ovarian cancer syndrome (HBOC). Identifiers: Orphanet 145, MedGen C0677776, MeSH D061325, MONDO:0003582. Disease mechanism: loss of function.
Hereditary cancer-predisposing syndrome. Also called: Hereditary neoplastic syndrome; Tumor predisposition; Hereditary Cancer Syndrome; Neoplastic Syndromes, Hereditary. Identifiers: Orphanet 140162, MedGen C0027672, MeSH D009386, MONDO:0015356.

Allele frequency attached by ClinVar (database versions not stated): gnomAD exomes below 0.00001.
gnomAD v4.1: 3 of 1,614,210 alleles (0.00019%); highest among the groups gnomAD compares: Non-Finnish European, 0.00025%; no homozygotes.

Submissions (3):

Labcorp Genetics (formerly Invitae), Labcorp
Classification: Uncertain significance for Hereditary breast ovarian cancer syndrome. Last evaluated: 2025-07-31. Review status: criteria provided, single submitter. Criteria: Invitae Variant Classification Sherloc (09022015). Collection method: clinical testing. Allele origin: germline.
Comment: This sequence change replaces phenylalanine, which is neutral and non-polar, with leucine, which is neutral and non-polar, at codon 2642 of the BRCA2 protein (p.Phe2642Leu). This variant is not present in population databases (gnomAD no frequency). This variant has not been reported in the literature in individuals affected with BRCA2-related conditions. ClinVar contains an entry for this variant (Variation ID: 491338). Invitae Evidence Modeling of protein sequence and biophysical properties (such as structural, functional, and spatial information, amino acid conservation, physicochemical variation, residue mobility, and thermodynamic stability) indicates that this missense variant is not expected to disrupt BRCA2 protein function with a negative predictive value of 95%. In summary, the available evidence is currently insufficient to determine the role of this variant in disease. Therefore, it has been classified as a Variant of Uncertain Significance.

Color Diagnostics, LLC DBA Color Health
Classification: Uncertain significance for Hereditary cancer-predisposing syndrome. Last evaluated: 2025-06-24. Review status: criteria provided, single submitter. Criteria: ACMG Guidelines, 2015. Collection method: clinical testing. Allele origin: germline.
Comment: This missense variant replaces phenylalanine with leucine at codon 2642 of the BRCA2 protein. Computational prediction is inconclusive regarding the impact of this variant on protein structure and function. To our knowledge, functional studies have not been reported for this variant. This variant has been reported in an individual affected with breast cancer (PMID: 28288110). This variant has not been identified in the general population by the Genome Aggregation Database (gnomAD). The available evidence is insufficient to determine the role of this variant in disease conclusively. Therefore, this variant is classified as a Variant of Uncertain Significance.

Ambry Genetics
Classification: Likely benign for Hereditary cancer-predisposing syndrome. Last evaluated: 2022-08-23. Review status: criteria provided, single submitter. Criteria: Ambry Variant Classification Scheme 2023. Collection method: clinical testing. Allele origin: germline.

Literature cited by the submitters: PubMed 28288110 (cited by Color Diagnostics, LLC DBA Color Health).